The following is an entry in ClinVar:

ClinVar aggregate classification (germline): Likely benign (1 of 4 stars; one submission).

gnomAD v4.1: 1 of 421,296 alleles (0.00024%); highest among the groups gnomAD compares: Non-Finnish European, 0.00032%; no homozygotes.

Submission:

CeGaT Center for Human Genetics Tuebingen
Classification: Likely benign. Last evaluated: 2026-09-01. Review status: criteria provided, single submitter. Criteria: CeGaT Center For Human Genetics Tuebingen Variant Classification Criteria Version 2. Collection method: clinical testing. Allele origin: germline. Affected: yes. Observed: 1 variant allele.
Comment: POU4F1: BP4, BP7

NM_006237.4(POU4F1):c.612G>T (p.Ala204=)

Genes: OBI1-AS1 (OBI1 antisense RNA 1; plus strand), POU4F1 (POU class 4 homeobox 1; minus strand). Cytogenetic location: 13q31.1.
Variant type: single nucleotide variant.
Coding change: c.612G>T on transcript NM_006237.4 (MANE Select); coding-DNA position 612, G replaced by T.
Protein change: p.Ala204=; no amino-acid change (alanine 204 retained).
Molecular consequence: synonymous variant.
Genome position (GRCh38, 1-based): chr13:78,602,063, C>A on the plus strand (G>T on the coding strand, the complement: POU4F1 is on the minus strand). VCF-style: chr13-78602063-C-A. GRCh37 (hg19) VCF-style: chr13-79176198-C-A.
Identifiers: ClinVar variation 5041839 (VCV005041839.1).